The following is an entry in ClinVar:

ClinVar aggregate classification (germline): Uncertain significance. Review status: criteria provided, multiple submitters, no conflicts (2 of 4 stars). 4 submissions from 4 submitters: Uncertain significance (4). Last evaluated 2025-09-01.

Conditions:
Retinal dystrophy. Also called: Inherited retinal dystrophy. Identifiers: Orphanet 71862, MedGen C0854723, MeSH D058499, MONDO:0019118, HP:0000556.
Severe early-childhood-onset retinal dystrophy (STGD1). Also called: STGD; Stargardt macular dystrophy; Juvenile onset macular degeneration; Stargardt disease 1; MACULAR DYSTROPHY WITH FLECKS, TYPE 1. Identifiers: Orphanet 364055, Orphanet 827, MedGen C1855465, MeSH D000080362, MONDO:0009549, OMIM 248200.

Allele frequency attached by ClinVar (database versions not stated): gnomAD 0.00019; gnomAD exomes 0.00008; ExAC 0.00011; TOPMed 0.00015.
gnomAD v4.1: 102 of 1,614,138 alleles (0.0063%); highest among the groups gnomAD compares: Middle Eastern, 0.099%; no homozygotes.

Submissions (4):

Labcorp Genetics (formerly Invitae), Labcorp
Classification: Uncertain significance. Last evaluated: 2025-09-01. Review status: criteria provided, single submitter. Criteria: Invitae Variant Classification Sherloc (09022015). Collection method: clinical testing. Allele origin: germline.
Comment: This sequence change replaces glycine, which is neutral and non-polar, with arginine, which is basic and polar, at codon 825 of the ABCA4 protein (p.Gly825Arg). This variant is present in population databases (rs368367104, gnomAD 0.02%). This missense change has been observed in individual(s) with ABCA4-related conditions and/or retinitis pigmentosa (PMID: 33090715, 33301772, 33732702, 34906470). ClinVar contains an entry for this variant (Variation ID: 943489). Invitae Evidence Modeling of protein sequence and biophysical properties (such as structural, functional, and spatial information, amino acid conservation, physicochemical variation, residue mobility, and thermodynamic stability) indicates that this missense variant is not expected to disrupt ABCA4 protein function with a negative predictive value of 95%. In summary, the available evidence is currently insufficient to determine the role of this variant in disease. Therefore, it has been classified as a Variant of Uncertain Significance.

Blueprint Genetics
Classification: Uncertain significance. Last evaluated: 2023-01-23. Review status: criteria provided, single submitter. Criteria: ACMG Guidelines, 2015. Collection method: clinical testing. Allele origin: germline.

Ocular Genomics Institute, Massachusetts Eye and Ear
Classification: Uncertain significance for Severe early-childhood-onset retinal dystrophy. Last evaluated: 2021-04-08. Review status: criteria provided, single submitter. Criteria: ACMG Guidelines, 2015. Collection method: research. Allele origin: germline. Affected: yes.
Comment: Through a review of available evidence we were able to apply the following criteria: PM2, BP4. Based on this evidence we have classified this variant as Variant of Uncertain Significance.

Institute of Human Genetics, Univ. Regensburg, Univ. Regensburg
Classification: Uncertain significance for Retinal dystrophy. Last evaluated: 2020-01-01. Review status: criteria provided, single submitter. Criteria: ACMG Guidelines, 2015. Collection method: clinical testing. Allele origin: germline. Affected: yes.

Literature cited by the submitters: PubMed 33090715 (cited by Labcorp Genetics (formerly Invitae), Labcorp and Institute of Human Genetics, Univ. Regensburg, Univ. Regensburg); PubMed 33301772 (cited by Labcorp Genetics (formerly Invitae), Labcorp and Institute of Human Genetics, Univ. Regensburg, Univ. Regensburg); PubMed 33732702 (cited by Labcorp Genetics (formerly Invitae), Labcorp and Institute of Human Genetics, Univ. Regensburg, Univ. Regensburg); PubMed 34906470 (cited by Labcorp Genetics (formerly Invitae), Labcorp).

NM_000350.3(ABCA4):c.2473G>A (p.Gly825Arg)

Gene: ABCA4 (ATP binding cassette subfamily A member 4; minus strand). Cytogenetic location: 1p22.1.
Variant type: single nucleotide variant.
Coding change: c.2473G>A on transcript NM_000350.3 (MANE Select); coding-DNA position 2473, G replaced by A.
Protein change: p.Gly825Arg; replaces glycine 825 with arginine.
Molecular consequence: missense variant.
Genome position (GRCh38, 1-based): chr1:94,055,225, C>T on the plus strand (G>A on the coding strand, the complement: ABCA4 is on the minus strand). VCF-style: chr1-94055225-C-T. GRCh37 (hg19) VCF-style: chr1-94520781-C-T.
Other names: c.2251G>A, p.Gly751Arg (NM_001425324.1); short protein forms G825R, G751R.
Identifiers: ClinVar variation 943489 (VCV000943489.12), dbSNP rs368367104, ClinGen allele CA958263.